The following is an entry in ClinVar:

NM_001142800.2(EYS):c.523C>T (p.Gln175Ter)

Gene: EYS (EGF-like photoreceptor maintenance factor; minus strand). Cytogenetic location: 6q12.
Variant type: single nucleotide variant.
Coding change: c.523C>T on transcript NM_001142800.2 (MANE Select); coding-DNA position 523, C replaced by T.
Protein change: p.Gln175Ter; replaces glutamine 175 with a stop codon.
Molecular consequence: nonsense.
Genome position (GRCh38, 1-based): chr6:65,494,888, G>A on the plus strand (C>T on the coding strand, the complement: EYS is on the minus strand). VCF-style: chr6-65494888-G-A. GRCh37 (hg19) VCF-style: chr6-66204781-G-A.
Other names: c.523C>T, p.Gln175Ter (NM_001142801.2, NM_001292009.2, NM_198283.2); short protein forms Q175*.
Identifiers: ClinVar variation 2158796 (VCV002158796.4), dbSNP rs2533028337, ClinGen allele CA364789729.

ClinVar aggregate classification (germline): Pathogenic (1 of 4 stars; one submission).

Submission:

Labcorp Genetics (formerly Invitae), Labcorp
Classification: Pathogenic. Last evaluated: 2022-10-04. Review status: criteria provided, single submitter. Criteria: Invitae Variant Classification Sherloc (09022015). Collection method: clinical testing. Allele origin: germline.
Comment: This variant has not been reported in the literature in individuals affected with EYS-related conditions. This sequence change creates a premature translational stop signal (p.Gln175*) in the EYS gene. It is expected to result in an absent or disrupted protein product. Loss-of-function variants in EYS are known to be pathogenic (PMID: 18836446, 20333770). This variant is not present in population databases (gnomAD no frequency). For these reasons, this variant has been classified as Pathogenic.

Literature cited by the submitters: PubMed 18836446; PubMed 20333770.